The following is an entry in ClinVar:

ClinVar aggregate classification (germline): Likely pathogenic (1 of 4 stars; one submission).

Conditions:
Seckel syndrome 1 (SCKL1). Also called: MICROCEPHALIC PRIMORDIAL DWARFISM I. Identifiers: Orphanet 808, MedGen C4551474, MONDO:0008869, OMIM 210600.

Submission:

Juno Genomics, Hangzhou Juno Genomics, Inc
Classification: Likely pathogenic for Seckel syndrome 1. Review status: criteria provided, single submitter. Criteria: ACMG Guidelines, 2015. Collection method: clinical testing. Allele origin: germline. Affected: yes.
Comment: Absent from controls (or at extremely low frequency if recessive) in Genome Aggregation Database, Exome Sequencing Project, 1000 Genomes Project, or Exome Aggregation Consortium.;Null variant in a gene where loss of function (LOF) is a known mechanism of disease.

NM_001184.4(ATR):c.6787C>T (p.Gln2263Ter)

Gene: ATR (ATR checkpoint kinase; minus strand). Cytogenetic location: 3q23.
Variant type: single nucleotide variant.
Coding change: c.6787C>T on transcript NM_001184.4 (MANE Select); coding-DNA position 6787, C replaced by T.
Protein change: p.Gln2263Ter; replaces glutamine 2263 with a stop codon.
Molecular consequence: nonsense.
Genome position (GRCh38, 1-based): chr3:142,466,434, G>A on the plus strand (C>T on the coding strand, the complement: ATR is on the minus strand). VCF-style: chr3-142466434-G-A. GRCh37 (hg19) VCF-style: chr3-142185276-G-A.
Other names: c.6595C>T, p.Gln2199Ter (NM_001354579.2); short protein forms Q2199*, Q2263*.
Identifiers: ClinVar variation 3382387 (VCV003382387.2).